The following is an entry in ClinVar:

NM_017534.6(MYH2):c.4523A>G (p.Asn1508Ser)

Genes: MYHAS (myosin heavy chain gene cluster antisense RNA; plus strand), MYH2 (myosin heavy chain 2; minus strand), LOC126862500 (BRD4-independent group 4 enhancer GRCh37_chr17:10427829-10429028; plus strand). Cytogenetic location: 17p13.1.
Variant type: single nucleotide variant.
Coding change: c.4523A>G on transcript NM_017534.6 (MANE Select); coding-DNA position 4523, A replaced by G.
Protein change: p.Asn1508Ser; replaces asparagine 1508 with serine.
Molecular consequence: missense variant.
Genome position (GRCh38, 1-based): chr17:10,525,465, T>C on the plus strand (A>G on the coding strand, the complement: MYH2 is on the minus strand). VCF-style: chr17-10525465-T-C. GRCh37 (hg19) VCF-style: chr17-10428782-T-C.
Other names: c.4523A>G, p.Asn1508Ser (NM_001100112.2); short protein forms N1508S.
Identifiers: ClinVar variation 943939 (VCV000943939.7), dbSNP rs764004345, ClinGen allele CA8390616.

ClinVar aggregate classification (germline): Uncertain significance (1 of 4 stars; one submission).

Conditions:
Myopathy, proximal, and ophthalmoplegia (CMYO6). Also called: MYOPATHY WITH CONGENITAL JOINT CONTRACTURES, OPHTHALMOPLEGIA, AND RIMMED VACUOLES; INCLUSION BODY MYOPATHY 3, AUTOSOMAL DOMINANT; CONGENITAL MYOPATHY 6 WITH OPHTHALMOPLEGIA. Identifiers: Orphanet 363677, Orphanet 79091, MedGen C1854106, MONDO:0011577, OMIM 605637.

Allele frequency attached by ClinVar (database versions not stated): gnomAD exomes below 0.00001; ExAC 0.00001.
gnomAD v4.1: 5 of 1,614,222 alleles (0.00031%); highest among the groups gnomAD compares: South Asian, 0.0055%; no homozygotes.

Submission:

Labcorp Genetics (formerly Invitae), Labcorp
Classification: Uncertain significance for Myopathy, proximal, and ophthalmoplegia. Last evaluated: 2022-03-08. Review status: criteria provided, single submitter. Criteria: Invitae Variant Classification Sherloc (09022015). Collection method: clinical testing. Allele origin: germline.
Comment: In summary, the available evidence is currently insufficient to determine the role of this variant in disease. Therefore, it has been classified as a Variant of Uncertain Significance. Algorithms developed to predict the effect of missense changes on protein structure and function (SIFT, PolyPhen-2, Align-GVGD) all suggest that this variant is likely to be disruptive. ClinVar contains an entry for this variant (Variation ID: 943939). This variant has not been reported in the literature in individuals affected with MYH2-related conditions. This variant is present in population databases (rs764004345, gnomAD 0.003%). This sequence change replaces asparagine, which is neutral and polar, with serine, which is neutral and polar, at codon 1508 of the MYH2 protein (p.Asn1508Ser).